The following is an entry in ClinVar:

NM_000814.6(GABRB3):c.1293G>A (p.Arg431=)

Gene: GABRB3 (gamma-aminobutyric acid type A receptor subunit beta3; minus strand). Cytogenetic location: 15q12.
Variant type: single nucleotide variant.
Coding change: c.1293G>A on transcript NM_000814.6 (MANE Select); coding-DNA position 1293, G replaced by A.
Protein change: p.Arg431=; no amino-acid change (arginine 431 retained).
Molecular consequence: synonymous variant.
Genome position (GRCh38, 1-based): chr15:26,547,922, C>T on the plus strand (G>A on the coding strand, the complement: GABRB3 is on the minus strand). VCF-style: chr15-26547922-C-T. GRCh37 (hg19) VCF-style: chr15-26793069-C-T.
Other names: c.1038G>A, p.Arg346= (NM_001191320.2, NM_001278631.2); c.1080G>A, p.Arg360= (NM_001191321.3); c.1293G>A, p.Arg431= (NM_021912.5).
Identifiers: ClinVar variation 386386 (VCV000386386.58), dbSNP rs75914945, ClinGen allele CA7437269.
Genomic context (GRCh38, chr15:26,547,922, plus strand): 5'-CCATCTGTCTATGGCATTCACATCGGTTAGATCAGGTATTTTAATTTTGAGCTGTGAAGA[C>T]CTCCTCCGTAGATGGGTCTTCTTGTGCGGGAGGCTTCTGTCCCCCAGGAATCGCCCATGC-3'
Protein context (NP_000805.1, residues 421-441): LPHKKTHLRR[Arg431=]SSQLKIKIPD

ClinVar aggregate classification (germline): Benign/Likely benign. Review status: criteria provided, multiple submitters, no conflicts (2 of 4 stars). 7 submissions from 7 submitters: Benign (2); Likely benign (5). Last evaluated 2026-03-01.

Conditions:
Inborn genetic diseases. Identifiers: MedGen C0950123, MeSH D030342.
GABRB3-related disorder. Also called: GABRB3-related condition.
Epilepsy, childhood absence, susceptibility to, 5. Identifiers: Orphanet 64280, MedGen C2677087, MONDO:0012843, OMIM 612269.
Epilepsy, childhood absence, susceptibility to, 1. Also called: Epilepsy, childhood absence 1. Identifiers: Orphanet 64280, MedGen C1838604, MONDO:0020759, OMIM 600131.

Allele frequency attached by ClinVar (database versions not stated): ExAC 0.00043; gnomAD 0.00044 and 0.00046; ESP Exome Variant Server 0.00046; gnomAD exomes 0.00052 and 0.00062; TOPMed 0.00054; 1000 Genomes Project 30x 0.00078; 1000 Genomes Project 0.00080.

Submissions (7):

CeGaT Center for Human Genetics Tuebingen
Classification: Likely benign. Last evaluated: 2026-03-01. Review status: criteria provided, single submitter. Criteria: CeGaT Center For Human Genetics Tuebingen Variant Classification Criteria Version 2. Collection method: clinical testing. Allele origin: germline. Affected: yes. Observed: 10 variant alleles.
Comment: GABRB3: BP4, BS1

Labcorp Genetics (formerly Invitae), Labcorp
Classification: Likely benign for Epilepsy, childhood absence, susceptibility to, 5; Epilepsy, childhood absence, susceptibility to, 1. Last evaluated: 2026-01-28. Review status: criteria provided, single submitter. Criteria: Invitae Variant Classification Sherloc (09022015). Collection method: clinical testing. Allele origin: germline.

PreventionGenetics, part of Exact Sciences
Classification: Likely benign for GABRB3-related condition. Last evaluated: 2025-03-12. Review status: criteria provided, single submitter. Criteria: ACMG Guidelines, 2015. Collection method: clinical testing. Allele origin: germline.
Comment: This variant is classified as likely benign based on ACMG/AMP sequence variant interpretation guidelines (Richards et al. 2015 PMID: 25741868, with internal and published modifications).

Blueprint Genetics
Classification: Likely benign. Last evaluated: 2024-11-20. Review status: criteria provided, single submitter. Criteria: ACMG Guidelines, 2015. Collection method: clinical testing. Allele origin: germline.

GeneDx
Classification: Benign. Last evaluated: 2019-10-09. Review status: criteria provided, single submitter. Criteria: GeneDx Variant Classification Process June 2021. Collection method: clinical testing. Allele origin: germline. Affected: yes.

Ambry Genetics
Classification: Likely benign for Inborn genetic diseases. Last evaluated: 2019-08-26. Review status: criteria provided, single submitter. Criteria: Ambry Variant Classification Scheme 2023. Collection method: clinical testing. Allele origin: germline.

Athena Diagnostics
Classification: Benign. Last evaluated: 2017-06-16. Review status: criteria provided, single submitter. Criteria: Athena Diagnostics Criteria. Collection method: clinical testing. Allele origin: germline.